The following is an entry in ClinVar:

ClinVar aggregate classification (germline): Pathogenic. Review status: reviewed by expert panel (3 of 4 stars). 7 submissions from 7 submitters: Pathogenic (1). 6 of the submissions do not count toward it. Last evaluated 2016-09-08.

Conditions:
Hereditary cancer-predisposing syndrome. Also called: Tumor predisposition; Neoplastic Syndromes, Hereditary; Hereditary Cancer Syndrome; Hereditary neoplastic syndrome. Identifiers: Orphanet 140162, MedGen C0027672, MeSH D009386, MONDO:0015356.
Hereditary breast ovarian cancer syndrome. Also called: Hereditary breast and ovarian cancer syndrome (HBOC); Hereditary breast and ovarian cancer syndrome; Hereditary breast and ovarian cancer; Hereditary breast and/or ovarian cancer syndrome; Breast and ovarian cancer; BRCA1- and BRCA2-Associated Hereditary Breast and Ovarian Cancer. Identifiers: Orphanet 145, MedGen C0677776, MeSH D061325, MONDO:0003582. Disease mechanism: loss of function.
Breast-ovarian cancer, familial, susceptibility to, 1 (BROVCA1). Also called: OVARIAN CANCER, SUSCEPTIBILITY TO; BRCA1 Hereditary Breast and Ovarian Cancer. Identifiers: Orphanet 145, MedGen C2676676, MONDO:0011450, OMIM 604370. Disease mechanism: loss of function.

Allele frequency attached by ClinVar (database versions not stated): gnomAD 0.00001.
gnomAD v4.1: 2 of 1,613,986 alleles (0.00012%); highest among the groups gnomAD compares: Non-Finnish European, 0.000085%; no homozygotes.

Submissions (7):

Evidence-based Network for the Interpretation of Germline Mutant Alleles (ENIGMA)
Classification: Pathogenic for Breast-ovarian cancer, familial, susceptibility to, 1. Last evaluated: 2016-09-08. Review status: reviewed by expert panel. Criteria: ENIGMA BRCA1/2 Classification Criteria (2015). Collection method: curation. Allele origin: germline.
Comment: Variant allele predicted to encode a truncated non-functional protein.

Ambry Genetics
Classification: Pathogenic for Hereditary cancer-predisposing syndrome. Last evaluated: 2025-03-28. Review status: criteria provided, single submitter. Criteria: Ambry Variant Classification Scheme 2023. Collection method: clinical testing. Allele origin: germline. Not counted in ClinVar's aggregate classification.
Comment: The p.K614* pathogenic mutation (also known as c.1840A>T), located in coding exon 9 of the BRCA1 gene, results from an A to T substitution at nucleotide position 1840. This changes the amino acid from a lysine to a stop codon within coding exon 9. This variant has been reported in several breast and/or ovarian cancer cohorts (Loizidou M et al. Clin Genet, 2007 Feb;71:165-70; Zhang S et al. Gynecol Oncol, 2011 May;121:353-7; Southey MC et al. NPJ Breast Cancer, 2021 Dec;7:153; Hovland HN et al. Fam Cancer, 2022 Oct;21:389-398). In addition to the clinical data presented in the literature, this alteration is expected to result in loss of function by premature protein truncation or nonsense-mediated mRNA decay. As such, this alteration is interpreted as a disease-causing mutation.

Consortium of Investigators of Modifiers of BRCA1/2 (CIMBA), c/o University of Cambridge
Classification: Pathogenic for Breast-ovarian cancer, familial, susceptibility to, 1. Last evaluated: 2015-10-02. Review status: criteria provided, single submitter. Criteria: CIMBA Mutation Classification guidelines May 2016. Collection method: clinical testing. Allele origin: germline. Not counted in ClinVar's aggregate classification.

Institute of Genomics, University of Tartu
Classification: Pathogenic for Breast-ovarian cancer, familial, susceptibility to, 1. Review status: criteria provided, single submitter. Criteria: ACMG Guidelines, 2015. Collection method: research. Allele origin: germline. Observed: 1 variant allele. Not counted in ClinVar's aggregate classification.

BRCAlab, Lund University
Classification: Pathogenic for Breast-ovarian cancer, familial, susceptibility to, 1. Last evaluated: 2020-03-02. Review status: no assertion criteria provided. Collection method: clinical testing. Allele origin: germline. Affected: yes. Not counted in ClinVar's aggregate classification.

Research Molecular Genetics Laboratory, Women's College Hospital, University of Toronto
Classification: Pathogenic for Hereditary breast ovarian cancer syndrome. Last evaluated: 2014-01-31. Review status: no assertion criteria provided. Collection method: research. Allele origin: germline. Affected: yes. Study: The Canadian Open Genetics Repository (COGR). Not counted in ClinVar's aggregate classification.

Breast Cancer Information Core (BIC) (BRCA1)
Classification: Pathogenic for Breast-ovarian cancer, familial 1. Last evaluated: 2002-05-29. Review status: no assertion criteria provided. Collection method: clinical testing. Allele origin: germline. Affected: yes. Observed: 1 variant allele. Not counted in ClinVar's aggregate classification.

Literature cited by the submitters: PubMed 17250666 (cited by Ambry Genetics); PubMed 21324516 (cited by Ambry Genetics); PubMed 34887416 (cited by Ambry Genetics); PubMed 34981296 (cited by Ambry Genetics).

NM_007294.4(BRCA1):c.1840A>T (p.Lys614Ter)

Gene: BRCA1 (BRCA1 DNA repair associated; minus strand). Cytogenetic location: 17q21.31.
Variant type: single nucleotide variant.
Coding change: c.1840A>T on transcript NM_007294.4 (MANE Select); coding-DNA position 1840, A replaced by T.
Protein change: p.Lys614Ter; replaces lysine 614 with a stop codon.
Molecular consequence: nonsense. On other transcripts: intron variant (137).
Genome position (GRCh38, 1-based): chr17:43,093,691, T>A on the plus strand (A>T on the coding strand, the complement: BRCA1 is on the minus strand). VCF-style: chr17-43093691-T-A. GRCh37 (hg19) VCF-style: chr17-41245708-T-A.
Other names: c.1627A>T, p.Lys543Ter (NM_001407571.1, NM_001407853.1, NM_001407894.1 and 9 more transcripts); c.1840A>T, p.Lys614Ter (NM_001407581.1, NM_001407582.1, NM_001407583.1 and 30 more transcripts); c.1837A>T, p.Lys613Ter (NM_001407587.1, NM_001407590.1, NM_001407591.1 and 22 more transcripts); c.1831A>T, p.Lys611Ter (NM_001407646.1, NM_001407647.1); c.1717A>T, p.Lys573Ter (NM_001407648.1, NM_001407664.1, NM_001407665.1 and 19 more transcripts); c.1714A>T, p.Lys572Ter (NM_001407649.1, NM_001407670.1, NM_001407671.1 and 11 more transcripts); c.1762A>T, p.Lys588Ter (NM_001407653.1, NM_001407654.1, NM_001407655.1 and 4 more transcripts); c.1759A>T, p.Lys587Ter (NM_001407659.1, NM_001407660.1, NM_001407661.1 and 1 more transcripts); and 40 more; short protein forms K614*, K567*, K502*, K503*, K543*, K544*, K587*, K573*.
Identifiers: ClinVar variation 54369 (VCV000054369.7), dbSNP rs80357282, ClinGen allele CA001199.
Genomic context (GRCh38, chr17:43,093,691, plus strand): 5'-GTGGGCTTAGATTTCTACTGACTACTAGTTCAAGCGCATGAATATGCCTGGTAGAAGACT[T>A]CCTCCTCAGCCTATTCTTTTTAGGTGCTTTTGAATTGTGGATATTTAATTCGAGTTCCAT-3'